The following is an entry in ClinVar:

ClinVar aggregate classification (germline): Uncertain significance (1 of 4 stars; one submission).

Allele frequency attached by ClinVar (database versions not stated): gnomAD 0.00001; gnomAD exomes 0.00001; ExAC 0.00002; ESP Exome Variant Server 0.00008.

Submission:

Ambry Genetics
Classification: Uncertain significance. Last evaluated: 2021-11-21. Review status: criteria provided, single submitter. Criteria: Ambry Variant Classification Scheme 2023. Collection method: clinical testing. Allele origin: germline.
Comment: The p.T814M variant (also known as c.2441C>T), located in coding exon 4 of the ALPK2 gene, results from a C to T substitution at nucleotide position 2441. The threonine at codon 814 is replaced by methionine, an amino acid with similar properties. This amino acid position is conserved. In addition, this alteration is predicted to be tolerated by in silico analysis. Since supporting evidence is limited at this time, the clinical significance of this alteration remains unclear.

NM_052947.4(ALPK2):c.2441C>T (p.Thr814Met)

Gene: ALPK2 (alpha kinase 2; minus strand). Cytogenetic location: 18q21.31.
Variant type: single nucleotide variant.
Coding change: c.2441C>T on transcript NM_052947.4 (MANE Select); coding-DNA position 2441, C replaced by T.
Protein change: p.Thr814Met; replaces threonine 814 with methionine.
Molecular consequence: missense variant.
Genome position (GRCh38, 1-based): chr18:58,537,746, G>A on the plus strand (C>T on the coding strand, the complement: ALPK2 is on the minus strand). VCF-style: chr18-58537746-G-A. GRCh37 (hg19) VCF-style: chr18-56204978-G-A.
Other names: short protein forms T814M.
Identifiers: ClinVar variation 1791338 (VCV001791338.2), dbSNP rs375832449, ClinGen allele CA8977077.